The following is an entry in ClinVar:

NM_000256.3(MYBPC3):c.534G>T (p.Val178=)

Gene: MYBPC3 (myosin binding protein C3; minus strand). Cytogenetic location: 11p11.2.
Variant type: single nucleotide variant.
Coding change: c.534G>T on transcript NM_000256.3 (MANE Select); coding-DNA position 534, G replaced by T.
Protein change: p.Val178=; no amino-acid change (valine 178 retained).
Molecular consequence: synonymous variant.
Genome position (GRCh38, 1-based): chr11:47,349,894, C>A on the plus strand (G>T on the coding strand, the complement: MYBPC3 is on the minus strand). VCF-style: chr11-47349894-C-A. GRCh37 (hg19) VCF-style: chr11-47371445-C-A.
Other names: c.534G>T, p.Val178= (LRG_386t1).
Identifiers: ClinVar variation 626522 (VCV000626522.14), dbSNP rs759249105, ClinGen allele CA055914.

ClinVar aggregate classification (germline): Conflicting classifications of pathogenicity. Review status: criteria provided, conflicting classifications (1 of 4 stars). 5 submissions from 5 submitters: Uncertain significance (1); Likely benign (4). Last evaluated 2025-12-26.

Conditions:
Hypertrophic cardiomyopathy. Also called: HYPERTROPHIC MYOCARDIOPATHY. Identifiers: Orphanet 217569, MedGen C0007194, MeSH D002312, MONDO:0005045, HP:0001639.
Cardiomyopathy (CMYO). Also called: Cardiomyopathies. Identifiers: Orphanet 167848, MedGen C0878544, MONDO:0004994, HP:0001638. Inheritance: Various modes of inheritance.
Cardiovascular phenotype. Identifiers: MedGen CN230736.

Allele frequency attached by ClinVar (database versions not stated): gnomAD 0.00001; ExAC 0.00003; gnomAD exomes 0.00003 and 0.00005.

Submissions (5):

Labcorp Genetics (formerly Invitae), Labcorp
Classification: Likely benign for Hypertrophic cardiomyopathy. Last evaluated: 2025-12-26. Review status: criteria provided, single submitter. Criteria: Invitae Variant Classification Sherloc (09022015). Collection method: clinical testing. Allele origin: germline.

Ambry Genetics
Classification: Likely benign for Cardiovascular phenotype. Last evaluated: 2024-01-16. Review status: criteria provided, single submitter. Criteria: Ambry Variant Classification Scheme 2023. Collection method: clinical testing. Allele origin: germline.

All of Us Research Program, National Institutes of Health
Classification: Likely benign for Hypertrophic cardiomyopathy. Last evaluated: 2023-06-26. Review status: criteria provided, single submitter. Criteria: ACMG Guidelines, 2015. Collection method: clinical testing. Allele origin: germline. Inheritance: Autosomal dominant inheritance. Observed: 2 variant alleles, 2 heterozygotes.
Comment: This study involves interpretation of variants in research participants for the purpose of population health screening. Participant phenotype was not available at the time of variant classification. Additional details can be found in publication PMID: 35346344, PMCID: PMC8962531

Color Diagnostics, LLC DBA Color Health
Classification: Likely benign for Cardiomyopathy. Last evaluated: 2018-11-27. Review status: criteria provided, single submitter. Criteria: ACMG Guidelines, 2015. Collection method: clinical testing. Allele origin: germline.

CHEO Genetics Diagnostic Laboratory, Children's Hospital of Eastern Ontario
Classification: Uncertain significance for Cardiomyopathy. Last evaluated: 2016-03-04. Review status: criteria provided, single submitter. Criteria: ACMG Guidelines, 2015. Collection method: clinical testing. Allele origin: germline. Study: Canadian Open Genetics Repository.